The following is an entry in ClinVar:

NM_000051.4(ATM):c.2141C>T (p.Thr714Ile)

Gene: ATM (ATM serine/threonine kinase; plus strand). Cytogenetic location: 11q22.3.
Variant type: single nucleotide variant.
Coding change: c.2141C>T on transcript NM_000051.4 (MANE Select); coding-DNA position 2141, C replaced by T.
Protein change: p.Thr714Ile; replaces threonine 714 with isoleucine.
Molecular consequence: missense variant.
Genome position (GRCh38, 1-based): chr11:108,256,231, C>T. VCF-style: chr11-108256231-C-T. GRCh37 (hg19) VCF-style: chr11-108126958-C-T.
Other names: c.2141C>T, p.Thr714Ile (NM_001351834.2); c.2141C>T (NM_000051.2); short protein forms T714I.
Identifiers: ClinVar variation 481289 (VCV000481289.22), dbSNP rs1555074846, ClinGen allele CA382538703.

ClinVar aggregate classification (germline): Conflicting classifications of pathogenicity. Review status: criteria provided, conflicting classifications (1 of 4 stars). 6 submissions from 6 submitters: Uncertain significance (3); Likely benign (2). 1 of the submissions does not count toward it. Last evaluated 2025-06-17.

Conditions:
Hereditary cancer-predisposing syndrome. Also called: Hereditary neoplastic syndrome; Neoplastic Syndromes, Hereditary; Tumor predisposition; Hereditary Cancer Syndrome. Identifiers: Orphanet 140162, MedGen C0027672, MeSH D009386, MONDO:0015356.
Familial cancer of breast. Also called: BREAST CANCER, FAMILIAL; Hereditary breast cancer; hereditary breast carcinoma. Identifiers: Orphanet 227535, MedGen C0346153, MONDO:0016419, OMIM 114480. Disease mechanism: loss of function.
Ataxia-telangiectasia syndrome (AT). Also called: LOUIS-BAR SYNDROME; Cerebello-oculocutaneous telangiectasia; Immunodeficiency with ataxia telangiectasia; AT, COMPLEMENTATION GROUP C; Ataxia-telangiectasia, complementation group D; ATAXIA-TELANGIECTASIA, COMPLEMENTATION GROUP A. Identifiers: Orphanet 100, MedGen C0004135, MONDO:0008840, OMIM 208900.

Allele frequency attached by ClinVar (database versions not stated): gnomAD exomes below 0.00001; TOPMed below 0.00001; gnomAD 0.00001.
gnomAD v4.1: 2 of 1,606,580 alleles (0.00012%); highest among the groups gnomAD compares: Non-Finnish European, 0.00017%; no homozygotes.

Submissions (6):

Color Diagnostics, LLC DBA Color Health
Classification: Likely benign for Hereditary cancer-predisposing syndrome. Last evaluated: 2025-06-17. Review status: criteria provided, single submitter. Criteria: ACMG Guidelines, 2015. Collection method: clinical testing. Allele origin: germline.

GeneDx
Classification: Uncertain significance. Last evaluated: 2025-05-12. Review status: criteria provided, single submitter. Criteria: GeneDx Variant Classification Process June 2021. Collection method: clinical testing. Allele origin: germline. Affected: yes.
Comment: Not observed at significant frequency in large population cohorts (gnomAD); In silico analysis suggests that this missense variant does not alter protein structure/function; Observed in an individual with breast cancer (PMID: 30426508); This variant is associated with the following publications: (PMID: 30426508)

Labcorp Genetics (formerly Invitae), Labcorp
Classification: Uncertain significance for Ataxia-telangiectasia syndrome. Last evaluated: 2025-04-03. Review status: criteria provided, single submitter. Criteria: Invitae Variant Classification Sherloc (09022015). Collection method: clinical testing. Allele origin: germline.
Comment: This sequence change replaces threonine, which is neutral and polar, with isoleucine, which is neutral and non-polar, at codon 714 of the ATM protein (p.Thr714Ile). This variant is not present in population databases (gnomAD no frequency). This missense change has been observed in individual(s) with breast cancer (PMID: 30426508). ClinVar contains an entry for this variant (Variation ID: 481289). Invitae Evidence Modeling of protein sequence and biophysical properties (such as structural, functional, and spatial information, amino acid conservation, physicochemical variation, residue mobility, and thermodynamic stability) indicates that this missense variant is not expected to disrupt ATM protein function with a negative predictive value of 95%. In summary, the available evidence is currently insufficient to determine the role of this variant in disease. Therefore, it has been classified as a Variant of Uncertain Significance.

Ambry Genetics
Classification: Likely benign for Hereditary cancer-predisposing syndrome. Last evaluated: 2024-01-24. Review status: criteria provided, single submitter. Criteria: Ambry Variant Classification Scheme 2023. Collection method: clinical testing. Allele origin: germline.

Department of Pathology and Laboratory Medicine, Sinai Health System
Classification: Uncertain significance for Familial cancer of breast. Last evaluated: 2022-09-26. Review status: criteria provided, single submitter. Criteria: ACMG Guidelines, 2015. Collection method: clinical testing. Allele origin: germline. Affected: yes.

Natera, Inc.
Classification: Uncertain significance for Ataxia-telangiectasia. Last evaluated: 2021-08-31. Review status: no assertion criteria provided. Collection method: clinical testing. Allele origin: germline. Not counted in ClinVar's aggregate classification.

Literature cited by the submitters: PubMed 30426508 (cited by 3 submitters).